The following is an entry in ClinVar:

NM_001378120.1(MBD5):c.3545-3T>C

Gene: MBD5 (methyl-CpG binding domain protein 5; plus strand). Cytogenetic location: 2q23.1.
Variant type: single nucleotide variant.
Coding change: c.3545-3T>C on transcript NM_001378120.1 (MANE Select); 3 bases into the intron before coding-DNA position 3545, T replaced by C.
Molecular consequence: intron variant.
Genome position (GRCh38, 1-based): chr2:148,485,739, T>C. VCF-style: chr2-148485739-T-C. GRCh37 (hg19) VCF-style: chr2-149243308-T-C.
Other names: c.2846-3T>C (NM_018328.5).
Identifiers: ClinVar variation 2837437 (VCV002837437.3), dbSNP rs774428376, ClinGen allele CA1900280.

ClinVar aggregate classification (germline): Uncertain significance (1 of 4 stars; one submission).

Conditions:
Intellectual developmental disorder, autosomal dominant 1. Also called: MBD5 Haploinsufficiency; Intellectual disability, autosomal dominant 1. Identifiers: Orphanet 228402, MedGen C1969562, MONDO:0007974, OMIM 156200.

Allele frequency attached by ClinVar (database versions not stated): ExAC 0.00001; gnomAD 0.00001; TOPMed 0.00001.

Submission:

Labcorp Genetics (formerly Invitae), Labcorp
Classification: Uncertain significance for Intellectual developmental disorder, autosomal dominant 1. Last evaluated: 2023-09-21. Review status: criteria provided, single submitter. Criteria: Invitae Variant Classification Sherloc (09022015). Collection method: clinical testing. Allele origin: germline.
Comment: In summary, the available evidence is currently insufficient to determine the role of this variant in disease. Therefore, it has been classified as a Variant of Uncertain Significance. Variants that disrupt the consensus splice site are a relatively common cause of aberrant splicing (PMID: 17576681, 9536098). Algorithms developed to predict the effect of sequence changes on RNA splicing suggest that this variant is not likely to affect RNA splicing. This variant has not been reported in the literature in individuals affected with MBD5-related conditions. This variant is present in population databases (rs774428376, gnomAD 0.007%). This sequence change falls in intron 10 of the MBD5 gene. It does not directly change the encoded amino acid sequence of the MBD5 protein. It affects a nucleotide within the consensus splice site.

Literature cited by the submitters: PubMed 17576681; PubMed 9536098.